The following is an entry in ClinVar:

NC_000012.12:g.121626758G>C

Genes: ORAI1 (ORAI calcium release-activated calcium modulator 1; plus strand), LOC130008987 (ATAC-STARR-seq lymphoblastoid silent region 4981; plus strand). Cytogenetic location: 12q24.31.
Variant type: single nucleotide variant.
Molecular consequence: non-coding transcript variant (on NR_186857.1).
Genome position: GRCh38 VCF-style: chr12-121626758-G-C. GRCh37 (hg19) VCF-style: chr12-122064663-G-C.
Identifiers: ClinVar variation 3378152 (VCV003378152.3).
Genomic context (GRCh38, chr12:121,626,758, plus strand): 5'-TGCCTCGCGGCGCCCGGGCCGGCCCGCGCCTCGGCGGCGTGCTCCATGCATCCGGAGCCC[G>C]CCCCGCCCCCGAGCCGCAGCAGTCCCGAGCTTCCCCCAAGCGGCGGCAGCACCACCAGCG-3'

ClinVar aggregate classification (germline): Uncertain significance. Review status: criteria provided, multiple submitters, no conflicts (2 of 4 stars). 2 submissions from 2 submitters: Uncertain significance (2). Last evaluated 2024-12-26.

Conditions:
Myopathy, tubular aggregate, 2 (TAM2). Identifiers: MedGen C4014557, MONDO:0014383, OMIM 615883.
Combined immunodeficiency due to ORAI1 deficiency. Also called: IMMUNODEFICIENCY 9. Identifiers: Orphanet 169090, Orphanet 317428, MedGen C2748568, MONDO:0013007, OMIM 612782.

Submissions (2):

Labcorp Genetics (formerly Invitae), Labcorp
Classification: Uncertain significance for Myopathy, tubular aggregate, 2; Combined immunodeficiency due to ORAI1 deficiency. Last evaluated: 2024-12-26. Review status: criteria provided, single submitter. Criteria: Invitae Variant Classification Sherloc (09022015). Collection method: clinical testing. Allele origin: germline.
Comment: This sequence change replaces alanine, which is neutral and non-polar, with proline, which is neutral and non-polar, at codon 6 of the ORAI1 protein (p.Ala6Pro). The frequency data for this variant in the population databases is considered unreliable, as metrics indicate insufficient coverage at this position in the gnomAD database. This variant has not been reported in the literature in individuals affected with ORAI1-related conditions. Experimental studies and prediction algorithms are not available or were not evaluated, and the functional significance of this variant is currently unknown. In summary, the available evidence is currently insufficient to determine the role of this variant in disease. Therefore, it has been classified as a Variant of Uncertain Significance.

GeneDx
Classification: Uncertain significance. Last evaluated: 2024-05-09. Review status: criteria provided, single submitter. Criteria: GeneDx Variant Classification Process June 2021. Collection method: clinical testing. Allele origin: germline. Affected: yes.
Comment: Not observed at significant frequency in large population cohorts (gnomAD); Has not been previously published as pathogenic or benign to our knowledge; In silico analysis does not support a benign or deleterious effect of this variant on protein structure/function